The following is an entry in ClinVar:

NM_000094.4(COL7A1):c.6476G>T (p.Gly2159Val)

Gene: COL7A1 (collagen type VII alpha 1 chain; minus strand). Cytogenetic location: 3p21.31.
Variant type: single nucleotide variant.
Coding change: c.6476G>T on transcript NM_000094.4 (MANE Select); coding-DNA position 6476, G replaced by T.
Protein change: p.Gly2159Val; replaces glycine 2159 with valine.
Molecular consequence: missense variant.
Genome position (GRCh38, 1-based): chr3:48,574,287, C>A on the plus strand (G>T on the coding strand, the complement: COL7A1 is on the minus strand). VCF-style: chr3-48574287-C-A. GRCh37 (hg19) VCF-style: chr3-48611720-C-A.
Other names: short protein forms G2159V.
Identifiers: ClinVar variation 2773207 (VCV002773207.3), dbSNP rs753632833, ClinGen allele CA2379013.

ClinVar aggregate classification (germline): Likely pathogenic (1 of 4 stars; one submission).

Allele frequency attached by ClinVar (database versions not stated): TOPMed below 0.00001.
gnomAD v4.1: 1 of 1,614,152 alleles (0.000062%); highest among the groups gnomAD compares: Non-Finnish European, 0.000085%; no homozygotes.

Submission:

Labcorp Genetics (formerly Invitae), Labcorp
Classification: Likely pathogenic. Last evaluated: 2023-11-01. Review status: criteria provided, single submitter. Criteria: Invitae Variant Classification Sherloc (09022015). Collection method: clinical testing. Allele origin: germline.
Comment: This sequence change replaces glycine, which is neutral and non-polar, with valine, which is neutral and non-polar, at codon 2159 of the COL7A1 protein (p.Gly2159Val). This variant is present in population databases (rs753632833, gnomAD 0.0009%). This variant has not been reported in the literature in individuals affected with COL7A1-related conditions. Advanced modeling of protein sequence and biophysical properties (such as structural, functional, and spatial information, amino acid conservation, physicochemical variation, residue mobility, and thermodynamic stability) performed at Invitae indicates that this missense variant is expected to disrupt COL7A1 protein function with a positive predictive value of 95%. This variant disrupts the triple helix domain of COL7A1. Glycine residues within the Gly-Xaa-Yaa repeats of the triple helix domain are required for the structure and stability of fibrillar collagens (PMID: 7695699, 8218237, 19344236), and variants at these glycine residues in COL7A1 are more frequently observed in individuals with disease than in the general population (PMID: 22058051). However, the clinical significance of this observation remains uncertain since only a limited number of affected individuals have been described to date. This variant disrupts the p.Gly2159 amino acid residue in COL7A1. Other variant(s) that disrupt this residue have been determined to be pathogenic (PMID: 27899325). This suggests that this residue is clinically significant, and that variants that disrupt this residue are likely to be disease-causing. In summary, the currently available evidence indicates that the variant is pathogenic, but additional data are needed to prove that conclusively. Therefore, this variant has been classified as Likely Pathogenic.

Literature cited by the submitters: PubMed 7695699; PubMed 8218237; PubMed 19344236; PubMed 22058051; PubMed 27899325.